The following is an entry in ClinVar:

ClinVar aggregate classification (germline): Uncertain significance. Review status: criteria provided, multiple submitters, no conflicts (2 of 4 stars). 4 submissions from 4 submitters: Uncertain significance (4). Last evaluated 2025-06-11.

Conditions:
Inborn genetic diseases. Identifiers: MedGen C0950123, MeSH D030342.

Allele frequency attached by ClinVar (database versions not stated): gnomAD exomes 0.00001; ExAC 0.00002.
gnomAD v4.1: 9 of 1,613,062 alleles (0.00056%); highest among the groups gnomAD compares: Non-Finnish European, 0.00068%; no homozygotes.

Submissions (4):

Ambry Genetics
Classification: Uncertain significance for Inborn genetic diseases. Last evaluated: 2025-06-11. Review status: criteria provided, single submitter. Criteria: Ambry Variant Classification Scheme 2023. Collection method: clinical testing. Allele origin: germline.

Blueprint Genetics
Classification: Uncertain significance. Last evaluated: 2024-10-16. Review status: criteria provided, single submitter. Criteria: ACMG Guidelines, 2015. Collection method: clinical testing. Allele origin: germline.

Labcorp Genetics (formerly Invitae), Labcorp
Classification: Uncertain significance. Last evaluated: 2022-06-20. Review status: criteria provided, single submitter. Criteria: Invitae Variant Classification Sherloc (09022015). Collection method: clinical testing. Allele origin: germline.
Comment: This sequence change replaces glutamic acid, which is acidic and polar, with lysine, which is basic and polar, at codon 1555 of the COL11A2 protein (p.Glu1555Lys). This variant is present in population databases (rs772829153, gnomAD 0.002%). This variant has not been reported in the literature in individuals affected with COL11A2-related conditions. Advanced modeling of protein sequence and biophysical properties (such as structural, functional, and spatial information, amino acid conservation, physicochemical variation, residue mobility, and thermodynamic stability) performed at Invitae indicates that this missense variant is not expected to disrupt COL11A2 protein function. In summary, the available evidence is currently insufficient to determine the role of this variant in disease. Therefore, it has been classified as a Variant of Uncertain Significance.

GeneDx
Classification: Uncertain significance. Last evaluated: 2022-05-06. Review status: criteria provided, single submitter. Criteria: GeneDx Variant Classification Process June 2021. Collection method: clinical testing. Allele origin: germline. Affected: yes.
Comment: Has not been previously published as pathogenic or benign to our knowledge; Not observed at significant frequency in large population cohorts (gnomAD); In silico analysis supports that this missense variant has a deleterious effect on protein structure/function

NM_080680.3(COL11A2):c.4663G>A (p.Glu1555Lys)

Gene: COL11A2 (collagen type XI alpha 2 chain; minus strand). Cytogenetic location: 6p21.32.
Variant type: single nucleotide variant.
Coding change: c.4663G>A on transcript NM_080680.3 (MANE Select); coding-DNA position 4663, G replaced by A.
Protein change: p.Glu1555Lys; replaces glutamic acid 1555 with lysine.
Molecular consequence: missense variant.
Genome position (GRCh38, 1-based): chr6:33,165,636, C>T on the plus strand (G>A on the coding strand, the complement: COL11A2 is on the minus strand). VCF-style: chr6-33165636-C-T. GRCh37 (hg19) VCF-style: chr6-33133413-C-T.
Other names: c.4342G>A, p.Glu1448Lys (NM_080679.3); c.4405G>A, p.Glu1469Lys (NM_080681.3); short protein forms E1469K, E1555K, E1448K.
Identifiers: ClinVar variation 1393414 (VCV001393414.8), dbSNP rs772829153, ClinGen allele CA3750025.